The following is an entry in ClinVar:

NM_020778.5(ALPK3):c.3760G>A (p.Asp1254Asn)

Gene: ALPK3 (alpha kinase 3; plus strand). Cytogenetic location: 15q25.3.
Variant type: single nucleotide variant.
Coding change: c.3760G>A on transcript NM_020778.5 (MANE Select); coding-DNA position 3760, G replaced by A.
Protein change: p.Asp1254Asn; replaces aspartic acid 1254 with asparagine.
Molecular consequence: missense variant.
Genome position (GRCh38, 1-based): chr15:84,858,498, G>A. VCF-style: chr15-84858498-G-A. GRCh37 (hg19) VCF-style: chr15-85401729-G-A.
Other names: short protein forms D1254N.
Identifiers: ClinVar variation 1470461 (VCV001470461.6), dbSNP rs1166623972, ClinGen allele CA393360899.

ClinVar aggregate classification (germline): Uncertain significance (1 of 4 stars; one submission).

Allele frequency attached by ClinVar (database versions not stated): gnomAD exomes below 0.00001.
gnomAD v4.1: 2 of 1,583,698 alleles (0.00013%); highest among the groups gnomAD compares: Non-Finnish European, 0.00017%; no homozygotes.

Submission:

Labcorp Genetics (formerly Invitae), Labcorp
Classification: Uncertain significance. Last evaluated: 2025-12-15. Review status: criteria provided, single submitter. Criteria: Invitae Variant Classification Sherloc (09022015). Collection method: clinical testing. Allele origin: germline.
Comment: This sequence change replaces aspartic acid, which is acidic and polar, with asparagine, which is neutral and polar, at codon 1456 of the ALPK3 protein (p.Asp1456Asn). This variant is not present in population databases (gnomAD no frequency). This variant has not been reported in the literature in individuals affected with ALPK3-related conditions. ClinVar contains an entry for this variant (Variation ID: 1470461). Invitae Evidence Modeling of protein sequence and biophysical properties (such as structural, functional, and spatial information, amino acid conservation, physicochemical variation, residue mobility, and thermodynamic stability) has been performed for this missense variant. However, the output from this modeling did not meet the statistical confidence thresholds required to predict the impact of this variant on ALPK3 protein function. In summary, the available evidence is currently insufficient to determine the role of this variant in disease. Therefore, it has been classified as a Variant of Uncertain Significance.